The following is an entry in ClinVar:

NM_000138.5(FBN1):c.2854+5A>G

Gene: FBN1 (fibrillin 1; minus strand). Cytogenetic location: 15q21.1.
Variant type: single nucleotide variant.
Coding change: c.2854+5A>G on transcript NM_000138.5 (MANE Select); 5 bases into the intron after coding-DNA position 2854, A replaced by G.
Molecular consequence: intron variant.
Genome position (GRCh38, 1-based): chr15:48,492,456, T>C on the plus strand (A>G on the coding strand, the complement: FBN1 is on the minus strand). VCF-style: chr15-48492456-T-C. GRCh37 (hg19) VCF-style: chr15-48784653-T-C.
Identifiers: ClinVar variation 508447 (VCV000508447.16), dbSNP rs762989672, ClinGen allele CA049010.

ClinVar aggregate classification (germline): Conflicting classifications of pathogenicity. Review status: criteria provided, conflicting classifications (1 of 4 stars). 5 submissions from 5 submitters: Uncertain significance (4); Likely benign (1). Last evaluated 2025-11-09.

Conditions:
Familial thoracic aortic aneurysm and aortic dissection (TAAD). Also called: Thoracic aortic aneurysms and dissections. Identifiers: Orphanet 91387, MedGen C4707243, MONDO:0019625.
Marfan syndrome (MFS). Also called: Marfan syndrome type 1; Marfan syndrome, classic; Marfan's syndrome; FBN1-Related Marfan Syndrome; MARFAN SYNDROME, TYPE I. Identifiers: Orphanet 284963, Orphanet 558, MedGen C0024796, MONDO:0007947, OMIM 154700.

Allele frequency attached by ClinVar (database versions not stated): ExAC 0.00002; gnomAD 0.00002; gnomAD exomes 0.00003 and 0.00001; TOPMed 0.00002.
gnomAD v4.1: 39 of 1,612,664 alleles (0.0024%); highest among the groups gnomAD compares: Non-Finnish European, 0.0033%; no homozygotes.

Submissions (5):

Labcorp Genetics (formerly Invitae), Labcorp
Classification: Uncertain significance for Marfan syndrome; Familial thoracic aortic aneurysm and aortic dissection. Last evaluated: 2025-11-09. Review status: criteria provided, single submitter. Criteria: Invitae Variant Classification Sherloc (09022015). Collection method: clinical testing. Allele origin: germline.
Comment: This sequence change falls in intron 24 of the FBN1 gene. It does not directly change the encoded amino acid sequence of the FBN1 protein. It affects a nucleotide within the consensus splice site. This variant is present in population databases (rs762989672, gnomAD 0.002%). This variant has not been reported in the literature in individuals affected with FBN1-related conditions. ClinVar contains an entry for this variant (Variation ID: 508447). Variants that disrupt the consensus splice site are a relatively common cause of aberrant splicing (PMID: 17576681, 9536098). Algorithms developed to predict the effect of sequence changes on RNA splicing suggest that this variant is not likely to affect RNA splicing. In summary, the available evidence is currently insufficient to determine the role of this variant in disease. Therefore, it has been classified as a Variant of Uncertain Significance.

Color Diagnostics, LLC DBA Color Health
Classification: Uncertain significance for Familial thoracic aortic aneurysm and aortic dissection. Last evaluated: 2025-06-11. Review status: criteria provided, single submitter. Criteria: ACMG Guidelines, 2015. Collection method: clinical testing. Allele origin: germline.
Comment: This variant causes an A to G nucleotide substitution at the +5 position of intron 24 of the FBN1 gene. To our knowledge, functional studies have not been reported for this variant. This variant has not been reported in individuals affected with FBN1-related disorders in the literature. This variant has been identified in 2/251398 chromosomes in the general population by the Genome Aggregation Database (gnomAD). The available evidence is insufficient to determine the role of this variant in disease conclusively. Therefore, this variant is classified as a Variant of Uncertain Significance.

All of Us Research Program, National Institutes of Health
Classification: Uncertain significance for Marfan syndrome. Last evaluated: 2024-08-06. Review status: criteria provided, single submitter. Criteria: ACMG Guidelines, 2015. Collection method: clinical testing. Allele origin: germline. Inheritance: Autosomal dominant inheritance. Observed: 7 variant alleles, 7 heterozygotes.
Comment: This variant causes an A to G nucleotide substitution at the +5 position of intron 24 of the FBN1 gene. To our knowledge, functional studies have not been reported for this variant. This variant has not been reported in individuals affected with FBN1-related disorders in the literature. This variant has been identified in 2/251398 chromosomes in the general population by the Genome Aggregation Database (gnomAD). The available evidence is insufficient to determine the role of this variant in disease conclusively. Therefore, this variant is classified as a Variant of Uncertain Significance.

This study involves interpretation of variants in research participants for the purpose of population health screening. Participant phenotype was not available at the time of variant classification. Additional details can be found in publication PMID: 35346344, PMCID: PMC8962531

Ambry Genetics
Classification: Uncertain significance for Familial thoracic aortic aneurysm and aortic dissection. Last evaluated: 2023-06-26. Review status: criteria provided, single submitter. Criteria: Ambry Variant Classification Scheme 2023. Collection method: clinical testing. Allele origin: germline.
Comment: The c.2854+5A>G intronic variant results from an A to G substitution 5 nucleotides after coding exon 23 in the FBN1 gene. This nucleotide position is poorly conserved in available vertebrate species. In silico splice site analysis predicts that this alteration will not have any significant effect on splicing. Since supporting evidence is limited at this time, the clinical significance of this alteration remains unclear.

GeneDx
Classification: Likely benign. Last evaluated: 2019-11-01. Review status: criteria provided, single submitter. Criteria: GeneDx Variant Classification Process June 2021. Collection method: clinical testing. Allele origin: germline. Affected: yes.

Literature cited by the submitters: PubMed 17576681 (cited by Labcorp Genetics (formerly Invitae), Labcorp); PubMed 9536098 (cited by Labcorp Genetics (formerly Invitae), Labcorp).